The following is an entry in ClinVar:

NM_138694.4(PKHD1):c.9148G>T (p.Gly3050Cys)

Gene: PKHD1 (PKHD1 ciliary IPT domain containing fibrocystin/polyductin; minus strand). Cytogenetic location: 6p12.3.
Variant type: single nucleotide variant.
Coding change: c.9148G>T on transcript NM_138694.4 (MANE Select); coding-DNA position 9148, G replaced by T.
Protein change: p.Gly3050Cys; replaces glycine 3050 with cysteine.
Molecular consequence: missense variant.
Genome position (GRCh38, 1-based): chr6:51,748,468, C>A on the plus strand (G>T on the coding strand, the complement: PKHD1 is on the minus strand). VCF-style: chr6-51748468-C-A. GRCh37 (hg19) VCF-style: chr6-51613266-C-A.
Other names: c.9148G>T, p.Gly3050Cys (NM_170724.3); short protein forms G3050C.
Identifiers: ClinVar variation 2578444 (VCV002578444.2), dbSNP rs1562225046, ClinGen allele CA364423496.

ClinVar aggregate classification (germline): Uncertain significance (1 of 4 stars; one submission).

Conditions:
Polycystic kidney disease 4 (PKD4). Also called: POLYCYSTIC KIDNEY AND HEPATIC DISEASE 1; POLYCYSTIC KIDNEY DISEASE, INFANTILE, TYPE I; PKD3; Autosomal Recessive Polycystic Kidney Disease – PKHD1; POLYCYSTIC KIDNEY DISEASE 4 WITH OR WITHOUT POLYCYSTIC LIVER DISEASE. Identifiers: MedGen C4540575, MONDO:0033004, OMIM 263200.

Submission:

Institute of Human Genetics, University of Leipzig Medical Center
Classification: Uncertain significance for Polycystic kidney disease 4. Last evaluated: 2023-08-21. Review status: criteria provided, single submitter. Criteria: ACMG Guidelines, 2015. Collection method: clinical testing. Allele origin: unknown. Inheritance: Autosomal recessive inheritance. Affected: yes.
Comment: Criteria applied: PM1,PM2_SUP,PP3